The following is an entry in ClinVar:

NM_001040142.2(SCN2A):c.4861T>C (p.Ser1621Pro)

Gene: SCN2A (sodium voltage-gated channel alpha subunit 2; plus strand). Cytogenetic location: 2q24.3.
Variant type: single nucleotide variant.
Coding change: c.4861T>C on transcript NM_001040142.2 (MANE Select); coding-DNA position 4861, T replaced by C.
Protein change: p.Ser1621Pro; replaces serine 1621 with proline.
Molecular consequence: missense variant.
Genome position (GRCh38, 1-based): chr2:165,388,667, T>C. VCF-style: chr2-165388667-T-C. GRCh37 (hg19) VCF-style: chr2-166245177-T-C.
Other names: c.4861T>C, p.Ser1621Pro (NM_001040143.2, NM_001371246.1, NM_001371247.1 and 1 more transcripts); short protein forms S1621P.
Identifiers: ClinVar variation 372556 (VCV000372556.1), dbSNP rs1057517853, ClinGen allele CA16042357.
Genomic context (GRCh38, chr2:165,388,667, plus strand): 5'-GTTATTTGTTGATTTTCTACAGGAATGTTTCTGGCTGAACTGATAGAAAAGTATTTTGTG[T>C]CCCCTACCCTGTTCCGAGTGATCCGTCTTGCCAGGATTGGCCGAATCCTACGTCTGATCA-3'
Protein context (NP_001035232.1, residues 1611-1631): LAELIEKYFV[Ser1621Pro]PTLFRVIRLA

ClinVar aggregate classification (germline): Likely pathogenic (1 of 4 stars; one submission).

Submission:

GeneDx
Classification: Likely pathogenic. Last evaluated: 2015-11-12. Review status: criteria provided, single submitter. Criteria: GeneDx Variant Classification (06012015). Collection method: clinical testing. Allele origin: germline. Affected: yes.
Comment: The S1621P variant has not been published as a pathogenic variant, nor has it been reported as a benign variant to ourknowledge. It was not observed in approximately 6,500 individuals of European and African Americanancestry in the NHLBI Exome Sequencing Project, indicating it is not a common benign variant inthese populations. The S1621P variant is a non-conservative amino acid substitution, which is likelyto impact secondary protein structure as these residues differ in polarity, charge, size and/or otherproperties. This substitution occurs at a conserved position predicted to be within the extracellularloop between the S3 and S4 transmembrane segments of the fourth homologous domain. Missensevariants in nearby residues (T1623N; R1626Q; R1629L) have been reported in Human Gene MutationDatabase in association with SCN2A-related disorders (Stenson et al., 2014), supporting the functionalimportance of this region of the protein. However, in silico analysis is inconsistent in its predictionsas to whether or not the S1621P variant is damaging to the protein structure/function. Therefore, thisvariant is likely pathogenic; however, the possibility that it is benign cannot be excluded.